The following is an entry in ClinVar:

ClinVar aggregate classification (germline): Uncertain significance (1 of 4 stars; one submission).

Conditions:
Hereditary cancer-predisposing syndrome. Also called: Neoplastic Syndromes, Hereditary; Tumor predisposition; Hereditary Cancer Syndrome; Hereditary neoplastic syndrome. Identifiers: Orphanet 140162, MedGen C0027672, MeSH D009386, MONDO:0015356.

Submission:

Ambry Genetics
Classification: Uncertain significance for Hereditary cancer-predisposing syndrome. Last evaluated: 2025-08-12. Review status: criteria provided, single submitter. Criteria: Ambry Variant Classification Scheme 2023. Collection method: clinical testing. Allele origin: germline.
Comment: The p.V163M variant (also known as c.487G>A), located in coding exon 4 of the BARD1 gene, results from a G to A substitution at nucleotide position 487. The valine at codon 163 is replaced by methionine, an amino acid with highly similar properties. This amino acid position is well conserved in available vertebrate species. In addition, this alteration is predicted to be tolerated by in silico analysis. Based on the available evidence, the clinical significance of this variant remains unclear.

NM_000465.4(BARD1):c.487G>A (p.Val163Met)

Gene: BARD1 (BRCA1 associated RING domain 1; minus strand). Cytogenetic location: 2q35.
Variant type: single nucleotide variant.
Coding change: c.487G>A on transcript NM_000465.4 (MANE Select); coding-DNA position 487, G replaced by A.
Protein change: p.Val163Met; replaces valine 163 with methionine.
Molecular consequence: missense variant. On other transcripts: non-coding transcript variant (2), intron variant (3).
Genome position (GRCh38, 1-based): chr2:214,781,387, C>T on the plus strand (G>A on the coding strand, the complement: BARD1 is on the minus strand). VCF-style: chr2-214781387-C-T. GRCh37 (hg19) VCF-style: chr2-215646111-C-T.
Other names: c.430G>A, p.Val144Met (NM_001282543.2); c.158+28025G>A (NM_001282548.2); c.215+15674G>A (NM_001282545.2); c.364+10910G>A (NM_001282549.2); short protein forms V163M, V144M.
Identifiers: ClinVar variation 4196214 (VCV004196214.1).
Genomic context (GRCh38, chr2:214,781,387, plus strand): 5'-CAAATTCATATGAGTCTTGCTGAGCACTTGCATCTTTTTTTATTGCAGGCTGGGTTTGCA[C>T]TGAAGCTTTACTCACAACATATCTGACTTTCTTACTTCGAGGGCTAAACCACATTTTAAT-3'
Protein context (NP_000456.2, residues 153-173): KVRYVVSKAS[Val163Met]QTQPAIKKDA